The following is an entry in ClinVar:

ClinVar aggregate classification (germline): Pathogenic/Likely pathogenic. Review status: criteria provided, multiple submitters, no conflicts (2 of 4 stars). 5 submissions from 5 submitters: Pathogenic (2); Likely pathogenic (1). 2 of the submissions do not count toward it. Last evaluated 2024-10-25.

Conditions:
Imerslund-Grasbeck syndrome type 1 (IGS1). Also called: Imerslund-Gräsbeck syndrome 1; MEGALOBLASTIC ANEMIA, 1; Megaloblastic anemia 1, Finnish type. Identifiers: MedGen C4016819, MONDO:0100156, OMIM 261100.
Proteinuria, chronic benign. Identifiers: MedGen C5394384, MONDO:0030042, OMIM 618884.
CUBN-related disorders.
Imerslund-Grasbeck syndrome. Also called: PERNICIOUS ANEMIA, JUVENILE, DUE TO SELECTIVE INTESTINAL MALABSORPTION OF VITAMIN B12, WITH PROTEINURIA; Imerslund-Gräsbeck syndrome; ENTEROCYTE COBALAMIN MALABSORPTION; ENTEROCYTE INTRINSIC FACTOR RECEPTOR, DEFECT OF; Megaloblastic anemia due to inborn errors of metabolism. Identifiers: Orphanet 35858, MedGen C4551825, MONDO:0009853.

Allele frequency attached by ClinVar (database versions not stated): TOPMed 0.00002; ESP Exome Variant Server 0.00015; gnomAD exomes 0.00015 and 0.00033; gnomAD 0.00025 and 0.00027; ExAC 0.00030.
gnomAD v4.1: 261 of 1,613,404 alleles (0.016%); highest among the groups gnomAD compares: Non-Finnish European, 0.0042%; no homozygotes.

Submissions (5):

Blueprint Genetics
Classification: Pathogenic for CUBN-related disorders. Last evaluated: 2024-10-25. Review status: criteria provided, single submitter. Criteria: ACMG Guidelines, 2015. Collection method: clinical testing. Allele origin: germline. Affected: yes. Observed: 5 variant alleles.

Fulgent Genetics
Classification: Likely pathogenic for Imerslund-Grasbeck syndrome type 1; Proteinuria, chronic benign. Last evaluated: 2024-03-15. Review status: criteria provided, single submitter. Criteria: ACMG Guidelines, 2015. Collection method: clinical testing. Allele origin: germline.

Labcorp Genetics (formerly Invitae), Labcorp
Classification: Pathogenic for Imerslund-Grasbeck syndrome. Last evaluated: 2024-02-06. Review status: criteria provided, single submitter. Criteria: Invitae Variant Classification Sherloc (09022015). Collection method: clinical testing. Allele origin: germline.
Comment: This sequence change replaces proline, which is neutral and non-polar, with leucine, which is neutral and non-polar, at codon 1297 of the CUBN protein (p.Pro1297Leu). This variant is present in population databases (rs121434430, gnomAD 0.3%). This missense change has been observed in individuals with megaloblastic anemia 1 (PMID: 7573042, 10080186). It is commonly reported in individuals of Finn ancestry (PMID: 7573042, 10080186). ClinVar contains an entry for this variant (Variation ID: 6689). Advanced modeling of protein sequence and biophysical properties (such as structural, functional, and spatial information, amino acid conservation, physicochemical variation, residue mobility, and thermodynamic stability) performed at Invitae indicates that this missense variant is expected to disrupt CUBN protein function with a positive predictive value of 80%. Experimental studies have shown that this missense change affects CUBN function (PMID: 10887099, 24156255). For these reasons, this variant has been classified as Pathogenic.

OMIM
Classification: Pathogenic for IMERSLUND-GRASBECK SYNDROME 1. Last evaluated: 2000-07-15. Review status: no assertion criteria provided. Collection method: literature only. Allele origin: germline. Not counted in ClinVar's aggregate classification.

Juha Muilu Group; Institute for Molecular Medicine Finland (FIMM)
Classification: Likely pathogenic for Megaloblastic anemia due to inborn errors of metabolism. Review status: no assertion criteria provided. Collection method: not provided. Allele origin: unknown. Not counted in ClinVar's aggregate classification.
Comment: FinDis database variant: This variant was not found or characterized by our laboratory, data were collected from public sources: see reference
ClinVar note: Converted during submission from probable-pathogenic to Likely pathogenic.

Literature cited by the submitters: PubMed 7573042 (cited by Labcorp Genetics (formerly Invitae), Labcorp); PubMed 10080186 (cited by Labcorp Genetics (formerly Invitae), Labcorp and OMIM); PubMed 10887099 (cited by Labcorp Genetics (formerly Invitae), Labcorp and OMIM); PubMed 24156255 (cited by Labcorp Genetics (formerly Invitae), Labcorp and OMIM).

NM_001081.4(CUBN):c.3890C>T (p.Pro1297Leu)

Gene: CUBN (cubilin; minus strand). Cytogenetic location: 10p13.
Variant type: single nucleotide variant.
Coding change: c.3890C>T on transcript NM_001081.4 (MANE Select); coding-DNA position 3890, C replaced by T.
Protein change: p.Pro1297Leu; replaces proline 1297 with leucine.
Molecular consequence: missense variant.
Genome position (GRCh38, 1-based): chr10:17,041,160, G>A on the plus strand (C>T on the coding strand, the complement: CUBN is on the minus strand). VCF-style: chr10-17041160-G-A. GRCh37 (hg19) VCF-style: chr10-17083159-G-A.
Other names: short protein forms P1297L.
Identifiers: ClinVar variation 6689 (VCV000006689.6), dbSNP rs121434430, ClinGen allele CA118423.